The following is an entry in ClinVar:

NM_000492.4(CFTR):c.4114C>A (p.Pro1372Thr)

Gene: CFTR (CF transmembrane conductance regulator; plus strand). Cytogenetic location: 7q31.2.
Variant type: single nucleotide variant.
Coding change: c.4114C>A on transcript NM_000492.4 (MANE Select); coding-DNA position 4114, C replaced by A.
Protein change: p.Pro1372Thr; replaces proline 1372 with threonine.
Molecular consequence: missense variant.
Genome position (GRCh38, 1-based): chr7:117,664,838, C>A. VCF-style: chr7-117664838-C-A. GRCh37 (hg19) VCF-style: chr7-117304892-C-A.
Other names: short protein forms P1372T.
Identifiers: ClinVar variation 1737946 (VCV001737946.3), dbSNP rs397508676, ClinGen allele CA327406.

ClinVar aggregate classification (germline): Uncertain significance. Review status: criteria provided, multiple submitters, no conflicts (2 of 4 stars). 2 submissions from 2 submitters: Uncertain significance (2). Last evaluated 2024-01-31.

Conditions:
Cystic fibrosis (CF). Also called: MUCOVISCIDOSIS. Identifiers: Orphanet 586, MedGen C0010674, MONDO:0009061, OMIM 219700. Disease mechanism: loss of function.

Submissions (2):

Women's Health and Genetics/Laboratory Corporation of America, LabCorp
Classification: Uncertain significance. Last evaluated: 2024-01-31. Review status: criteria provided, single submitter. Criteria: LabCorp Variant Classification Summary - May 2015. Collection method: clinical testing. Allele origin: germline.
Comment: Variant summary: CFTR c.4114C>A (p.Pro1372Thr) results in a non-conservative amino acid change located in the ABC transporter-like, ATP-binding domain (IPR003439) of the encoded protein sequence. Five of five in-silico tools predict a damaging effect of the variant on protein function. The variant was absent in 251256 control chromosomes (gnomAD). The available data on variant occurrences in the general population are insufficient to allow any conclusion about variant significance. To our knowledge, no occurrence of c.4114C>A in individuals affected with Cystic Fibrosis and no experimental evidence demonstrating its impact on protein function have been reported. ClinVar contains an entry for this variant (Variation ID: 1737946). Based on the evidence outlined above, the variant was classified as uncertain significance.

Ambry Genetics
Classification: Uncertain significance for Cystic fibrosis. Last evaluated: 2022-08-01. Review status: criteria provided, single submitter. Criteria: Ambry Variant Classification Scheme 2023. Collection method: clinical testing. Allele origin: germline.
Comment: The p.P1372T variant (also known as c.4114C>A), located in coding exon 25 of the CFTR gene, results from a C to A substitution at nucleotide position 4114. The proline at codon 1372 is replaced by threonine, an amino acid with highly similar properties. This amino acid position is highly conserved in available vertebrate species. In addition, this alteration is predicted to be deleterious by in silico analysis. Since supporting evidence is limited at this time, the clinical significance of this alteration remains unclear.